The following is an entry in ClinVar:

ClinVar aggregate classification (germline): Uncertain significance (1 of 4 stars; one submission).

Conditions:
Inborn genetic diseases. Identifiers: MedGen C0950123, MeSH D030342.

Submission:

Ambry Genetics
Classification: Uncertain significance for Inborn genetic diseases. Last evaluated: 2026-07-28. Review status: criteria provided, single submitter. Criteria: Ambry Variant Classification Scheme 2023. Collection method: clinical testing. Allele origin: germline.
Comment: The p.V364M variant (also known as c.1090G>A), located in coding exon 13 of the FANCA gene, results from a G to A substitution at nucleotide position 1090. The valine at codon 364 is replaced by methionine, an amino acid with highly similar properties. This amino acid position is conserved. In addition, this alteration is predicted to be tolerated by in silico analysis. Based on the available evidence, the clinical significance of this variant remains unclear.

NM_000135.4(FANCA):c.1090G>A (p.Val364Met)

Gene: FANCA (FA complementation group A; minus strand). Cytogenetic location: 16q24.3.
Variant type: single nucleotide variant.
Coding change: c.1090G>A on transcript NM_000135.4 (MANE Select); coding-DNA position 1090, G replaced by A.
Protein change: p.Val364Met; replaces valine 364 with methionine.
Molecular consequence: missense variant.
Genome position (GRCh38, 1-based): chr16:89,792,062, C>T on the plus strand (G>A on the coding strand, the complement: FANCA is on the minus strand). VCF-style: chr16-89792062-C-T. GRCh37 (hg19) VCF-style: chr16-89858470-C-T.
Other names: c.1090G>A, p.Val364Met (NM_001286167.3); short protein forms V364M.
Identifiers: ClinVar variation 5036379 (VCV005036379.1).